The following is an entry in ClinVar:

NM_001851.6(COL9A1):c.806G>T (p.Gly269Val)

Gene: COL9A1 (collagen type IX alpha 1 chain; minus strand). Cytogenetic location: 6q13.
Variant type: single nucleotide variant.
Coding change: c.806G>T on transcript NM_001851.6 (MANE Select); coding-DNA position 806, G replaced by T.
Protein change: p.Gly269Val; replaces glycine 269 with valine.
Molecular consequence: missense variant. On other transcripts: non-coding transcript variant (1).
Genome position (GRCh38, 1-based): chr6:70,281,460, C>A on the plus strand (G>T on the coding strand, the complement: COL9A1 is on the minus strand). VCF-style: chr6-70281460-C-A. GRCh37 (hg19) VCF-style: chr6-70991163-C-A.
Other names: c.77G>T, p.Gly26Val (NM_001377289.1, NM_001377290.1, NM_078485.4); c.806G>T, p.Gly269Val (NM_001377291.1); short protein forms G269V, G26V.
Identifiers: ClinVar variation 1213336 (VCV001213336.4), dbSNP rs752119760, ClinGen allele CA3882655.

ClinVar aggregate classification (germline): Uncertain significance. Review status: criteria provided, multiple submitters, no conflicts (2 of 4 stars). 2 submissions from 2 submitters: Uncertain significance (2). Last evaluated 2019-08-02.

Allele frequency attached by ClinVar (database versions not stated): gnomAD exomes below 0.00001 and 0.00003; ExAC 0.00001; gnomAD 0.00001; TOPMed 0.00002.
gnomAD v4.1: 42 of 1,611,224 alleles (0.0026%); highest among the groups gnomAD compares: African/African-American, 0.0054%; no homozygotes.

Submissions (2):

GeneDx
Classification: Uncertain significance. Last evaluated: 2019-08-02. Review status: criteria provided, single submitter. Criteria: GeneDx Variant Classification Process June 2021. Collection method: clinical testing. Allele origin: germline. Affected: yes.
Comment: Has not been previously published as pathogenic or benign to our knowledge; Not observed at a significant frequency in large population cohorts (Lek et al., 2016); In silico analysis, which includes protein predictors and evolutionary conservation, supports a deleterious effect

Blueprint Genetics
Classification: Uncertain significance. Last evaluated: 2018-10-05. Review status: criteria provided, single submitter. Criteria: ACMG Guidelines, 2015. Collection method: clinical testing. Allele origin: germline.